The following is an entry in ClinVar:

ClinVar aggregate classification (germline): Benign. Review status: criteria provided, multiple submitters, no conflicts (2 of 4 stars). 2 submissions from 2 submitters: Benign (2). Last evaluated 2022-08-10.

Conditions:
Epidermolysis bullosa simplex. Also called: Epidermolysis bullosa simplex, Weber-Cockayne type (subtype); Epidermolysis bullosa simplex, Dowling-Meara type (subtype); Epidermolysis bullosa simplex with mottled pigmentation (subtype). Identifiers: Orphanet 304, MedGen C0079298, MONDO:0017610.

Allele frequency attached by ClinVar (database versions not stated): TOPMed 0.00003; gnomAD 0.00003.
gnomAD v4.1: 79 of 1,613,902 alleles (0.0049%); highest among the groups gnomAD compares: Admixed American, 0.098%; 1 homozygote.

Submissions (2):

Labcorp Genetics (formerly Invitae), Labcorp
Classification: Benign. Last evaluated: 2022-08-10. Review status: criteria provided, single submitter. Criteria: Invitae Variant Classification Sherloc (09022015). Collection method: clinical testing. Allele origin: germline.

Illumina Laboratory Services, Illumina
Classification: Benign for Epidermolysis bullosa simplex. Last evaluated: 2018-01-13. Review status: criteria provided, single submitter. Criteria: ICSL Variant Classification Criteria 13 December 2019. Collection method: clinical testing. Allele origin: germline.
Comment: This variant was observed in the ICSL laboratory as part of a predisposition screen in an ostensibly healthy population. It had not been previously curated by ICSL or reported in the Human Gene Mutation Database (HGMD: prior to June 1st, 2018), and was therefore a candidate for classification through an automated scoring system. Utilizing variant allele frequency, disease prevalence and penetrance estimates, and inheritance mode, an automated score was calculated to assess if this variant is too frequent to cause the disease. Based on the score and internal cut-off values, a variant classified as benign is not then subjected to further curation. The score for this variant resulted in a classification of benign for this disease.

NM_000424.4(KRT5):c.1194C>T (p.Ala398=)

Genes: KRT5 (keratin 5; minus strand), LOC126861525 (BRD4-independent group 4 enhancer GRCh37_chr12:52909857-52911056; plus strand). Cytogenetic location: 12q13.13.
Variant type: single nucleotide variant.
Coding change: c.1194C>T on transcript NM_000424.4 (MANE Select); coding-DNA position 1194, C replaced by T.
Protein change: p.Ala398=; no amino-acid change (alanine 398 retained).
Molecular consequence: synonymous variant.
Genome position (GRCh38, 1-based): chr12:52,517,131, G>A on the plus strand (C>T on the coding strand, the complement: KRT5 is on the minus strand). VCF-style: chr12-52517131-G-A. GRCh37 (hg19) VCF-style: chr12-52910915-G-A.
Identifiers: ClinVar variation 309561 (VCV000309561.12), dbSNP rs768794468, ClinGen allele CA6582607.